The following is an entry in ClinVar:

NM_000435.3(NOTCH3):c.3865G>A (p.Val1289Met)

Gene: NOTCH3 (notch receptor 3; minus strand). Cytogenetic location: 19p13.12.
Variant type: single nucleotide variant.
Coding change: c.3865G>A on transcript NM_000435.3 (MANE Select); coding-DNA position 3865, G replaced by A.
Protein change: p.Val1289Met; replaces valine 1289 with methionine.
Molecular consequence: missense variant.
Genome position (GRCh38, 1-based): chr19:15,178,063, C>T on the plus strand (G>A on the coding strand, the complement: NOTCH3 is on the minus strand). VCF-style: chr19-15178063-C-T. GRCh37 (hg19) VCF-style: chr19-15288874-C-T.
Other names: short protein forms V1289M.
Identifiers: ClinVar variation 2488595 (VCV002488595.5), dbSNP rs2046807531, ClinGen allele CA404506736.

ClinVar aggregate classification (germline): Uncertain significance. Review status: criteria provided, multiple submitters, no conflicts (2 of 4 stars). 2 submissions from 2 submitters: Uncertain significance (2). Last evaluated 2023-02-23.

Conditions:
Inborn genetic diseases. Identifiers: MedGen C0950123, MeSH D030342.

Allele frequency attached by ClinVar (database versions not stated): TOPMed below 0.00001.
gnomAD v4.1: 1 of 1,520,318 alleles (0.000066%); highest among the groups gnomAD compares: African/African-American, 0.0014%; no homozygotes.

Submissions (2):

Ambry Genetics
Classification: Uncertain significance for Inborn genetic diseases. Last evaluated: 2023-02-23. Review status: criteria provided, single submitter. Criteria: Ambry Variant Classification Scheme 2023. Collection method: clinical testing. Allele origin: germline.

Labcorp Genetics (formerly Invitae), Labcorp
Classification: Uncertain significance. Last evaluated: 2022-12-18. Review status: criteria provided, single submitter. Criteria: Invitae Variant Classification Sherloc (09022015). Collection method: clinical testing. Allele origin: germline.
Comment: In summary, the available evidence is currently insufficient to determine the role of this variant in disease. Therefore, it has been classified as a Variant of Uncertain Significance. Advanced modeling of protein sequence and biophysical properties (such as structural, functional, and spatial information, amino acid conservation, physicochemical variation, residue mobility, and thermodynamic stability) performed at Invitae indicates that this missense variant is not expected to disrupt NOTCH3 protein function. This sequence change replaces valine, which is neutral and non-polar, with methionine, which is neutral and non-polar, at codon 1289 of the NOTCH3 protein (p.Val1289Met). This variant is not present in population databases (gnomAD no frequency). This variant has not been reported in the literature in individuals affected with NOTCH3-related conditions.